The following is an entry in ClinVar:

ClinVar aggregate classification (germline): Benign (1 of 4 stars; one submission).

Allele frequency attached by ClinVar (database versions not stated): 1000 Genomes Project 30x 0.00297; 1000 Genomes Project 0.00339; gnomAD 0.00825; TOPMed 0.00850.
gnomAD v4.1: 1,242 of 152,320 alleles (0.82%); highest among the groups gnomAD compares: Non-Finnish European, 1.3%; 4 homozygotes.

Submission:

CeGaT Center for Human Genetics Tuebingen
Classification: Benign. Last evaluated: 2023-07-01. Review status: criteria provided, single submitter. Criteria: CeGaT Center For Human Genetics Tuebingen Variant Classification Criteria Version 2. Collection method: clinical testing. Allele origin: germline. Affected: yes. Observed: 11 variant alleles.
Comment: TBK1: BS1, BS2

NM_013254.4(TBK1):c.87+1831A>G

Gene: TBK1 (TANK binding kinase 1; plus strand). Cytogenetic location: 12q14.2.
Variant type: single nucleotide variant.
Coding change: c.87+1831A>G on transcript NM_013254.4 (MANE Select); 1831 bases into the intron after coding-DNA position 87, A replaced by G.
Molecular consequence: intron variant.
Genome position (GRCh38, 1-based): chr12:64,457,788, A>G. VCF-style: chr12-64457788-A-G. GRCh37 (hg19) VCF-style: chr12-64851568-A-G.
Identifiers: ClinVar variation 2498563 (VCV002498563.28), dbSNP rs75977259, ClinGen allele CA15734781.